The following is an entry in ClinVar:

ClinVar aggregate classification (germline): Likely pathogenic (1 of 4 stars; one submission).

Conditions:
GNPTAB-mucolipidosis. Also called: UDP-N-acetylglucosamine-1-phosphotransferase subunit alpha/beta deficiency. Identifiers: MedGen CN322573, MONDO:0100122.

Submission:

Myriad Genetics, Inc.
Classification: Likely pathogenic for GNPTAB-mucolipidosis. Last evaluated: 2019-02-24. Review status: criteria provided, single submitter. Criteria: Myriad Autosomal Dominant, Autosomal Recessive and X-Linked Classification Criteria (2023). Collection method: clinical testing. Allele origin: unknown.
Comment: NM_024312.4(GNPTAB):c.635T>A(L212*) is expected to be pathogenic in the context of GNPTAB-related disorders. This variant is predicted to lead to an abnormal or absent protein product due to the creation of a premature termination codon in GNPTAB, a gene where loss-of-function variants are known to be pathogenic. Please note: this variant was assessed in the context of healthy population screening.

NM_024312.5(GNPTAB):c.635T>A (p.Leu212Ter)

Gene: GNPTAB (N-acetylglucosamine-1-phosphate transferase subunits alpha and beta; minus strand). Cytogenetic location: 12q23.2.
Variant type: single nucleotide variant.
Coding change: c.635T>A on transcript NM_024312.5 (MANE Select); coding-DNA position 635, T replaced by A.
Protein change: p.Leu212Ter; replaces leucine 212 with a stop codon.
Molecular consequence: nonsense.
Genome position (GRCh38, 1-based): chr12:101,780,558, A>T on the plus strand (T>A on the coding strand, the complement: GNPTAB is on the minus strand). VCF-style: chr12-101780558-A-T. GRCh37 (hg19) VCF-style: chr12-102174336-A-T.
Other names: short protein forms L212*.
Identifiers: ClinVar variation 984027 (VCV000984027.4), dbSNP rs1953326710, ClinGen allele CA386304622.
Genomic context (GRCh38, chr12:101,780,558, plus strand): 5'-TTATTCATATTTTTATTCTAGTCTATTGTAAAAATGCAATTAAATTTAAAATAACATACC[A>T]AGTAGCCCCTCCATACTGTCTGTCTGCTATTTCCTTTAAGCAGTCCAGAGTGGGCATCTT-3'